The following is an entry in ClinVar:

NM_003072.5(SMARCA4):c.814A>G (p.Met272Val)

Gene: SMARCA4 (SWI/SNF related BAF chromatin remodeling complex subunit ATPase 4; plus strand). Cytogenetic location: 19p13.2.
Variant type: single nucleotide variant.
Coding change: c.814A>G on transcript NM_003072.5 (MANE Select); coding-DNA position 814, A replaced by G.
Protein change: p.Met272Val; replaces methionine 272 with valine.
Molecular consequence: missense variant. On other transcripts: non-coding transcript variant (1).
Genome position (GRCh38, 1-based): chr19:10,986,958, A>G. VCF-style: chr19-10986958-A-G. GRCh37 (hg19) VCF-style: chr19-11097634-A-G.
Other names: c.814A>G, p.Met272Val (NM_001128844.3, NM_001128845.2, NM_001128846.2 and 5 more transcripts); c.814A>G (NM_001128849.1); short protein forms M272V.
Identifiers: ClinVar variation 1407107 (VCV001407107.9), dbSNP rs1432832082, ClinGen allele CA404058027.

ClinVar aggregate classification (germline): Uncertain significance. Review status: criteria provided, multiple submitters, no conflicts (2 of 4 stars). 2 submissions from 2 submitters: Uncertain significance (2). Last evaluated 2025-10-14.

Conditions:
Hereditary cancer-predisposing syndrome. Also called: Hereditary neoplastic syndrome; Hereditary Cancer Syndrome; Neoplastic Syndromes, Hereditary; Tumor predisposition. Identifiers: Orphanet 140162, MedGen C0027672, MeSH D009386, MONDO:0015356.
Rhabdoid tumor predisposition syndrome 2 (RTPS2). Identifiers: Orphanet 231108, Orphanet 69077, MedGen C2750074, MONDO:0013224, OMIM 613325.

gnomAD v4.1: 1 of 1,610,182 alleles (0.000062%); highest among the groups gnomAD compares: Non-Finnish European, 0.000085%; no homozygotes.

Submissions (2):

Ambry Genetics
Classification: Uncertain significance for Hereditary cancer-predisposing syndrome. Last evaluated: 2025-10-14. Review status: criteria provided, single submitter. Criteria: Ambry Variant Classification Scheme 2023. Collection method: clinical testing. Allele origin: germline.
Comment: The p.M272V variant (also known as c.814A>G), located in coding exon 4 of the SMARCA4 gene, results from an A to G substitution at nucleotide position 814. The methionine at codon 272 is replaced by valine, an amino acid with highly similar properties. This amino acid position is conserved. In addition, the in silico prediction for this alteration is inconclusive. Based on the available evidence, the clinical significance of this variant remains unclear.

Labcorp Genetics (formerly Invitae), Labcorp
Classification: Uncertain significance for Rhabdoid tumor predisposition syndrome 2. Last evaluated: 2021-03-29. Review status: criteria provided, single submitter. Criteria: Invitae Variant Classification Sherloc (09022015). Collection method: clinical testing. Allele origin: germline.
Comment: In summary, the available evidence is currently insufficient to determine the role of this variant in disease. Therefore, it has been classified as a Variant of Uncertain Significance. Algorithms developed to predict the effect of missense changes on protein structure and function are either unavailable or do not agree on the potential impact of this missense change (SIFT: "Deleterious"; PolyPhen-2: "Benign"; Align-GVGD: "Class C0"). This variant has not been reported in the literature in individuals with SMARCA4-related conditions. This variant is not present in population databases (ExAC no frequency). This sequence change replaces methionine with valine at codon 272 of the SMARCA4 protein (p.Met272Val). The methionine residue is moderately conserved and there is a small physicochemical difference between methionine and valine.